The following is an entry in ClinVar:

ClinVar aggregate classification (germline): Uncertain significance. Review status: criteria provided, multiple submitters, no conflicts (2 of 4 stars). 2 submissions from 2 submitters: Uncertain significance (2). Last evaluated 2023-12-18.

Conditions:
Inborn genetic diseases. Identifiers: MedGen C0950123, MeSH D030342.

Submissions (2):

Ambry Genetics
Classification: Uncertain significance for Inborn genetic diseases. Last evaluated: 2023-12-18. Review status: criteria provided, single submitter. Criteria: Ambry Variant Classification Scheme 2023. Collection method: clinical testing. Allele origin: germline.

GeneDx
Classification: Uncertain significance. Last evaluated: 2023-12-13. Review status: criteria provided, single submitter. Criteria: GeneDx Variant Classification Process June 2021. Collection method: clinical testing. Allele origin: germline. Affected: yes.
Comment: Not observed at significant frequency in large population cohorts (gnomAD); In silico analysis supports that this missense variant does not alter protein structure/function; Has not been previously published as pathogenic or benign to our knowledge

NM_178857.6(RP1L1):c.358C>A (p.Gln120Lys)

Gene: RP1L1 (RP1 like 1). Cytogenetic location: 8p23.1.
Variant type: single nucleotide variant.
Coding change: c.358C>A on transcript NM_178857.6 (MANE Select); coding-DNA position 358, C replaced by A.
Protein change: p.Gln120Lys; replaces glutamine 120 with lysine.
Molecular consequence: missense variant.
Genome position (GRCh38, 1-based): chr8:10,622,844, G>T on the plus strand (C>A on the coding strand, the complement: RP1L1 is on the minus strand). VCF-style: chr8-10622844-G-T. GRCh37 (hg19) VCF-style: chr8-10480354-G-T.
Other names: short protein forms Q120K.
Identifiers: ClinVar variation 3155831 (VCV003155831.2), dbSNP rs984407659, ClinGen allele CA370300419.